The following is an entry in ClinVar:

NM_000256.3(MYBPC3):c.355G>A (p.Glu119Lys)

Gene: MYBPC3 (myosin binding protein C3; minus strand). Cytogenetic location: 11p11.2.
Variant type: single nucleotide variant.
Coding change: c.355G>A on transcript NM_000256.3 (MANE Select); coding-DNA position 355, G replaced by A.
Protein change: p.Glu119Lys; replaces glutamic acid 119 with lysine.
Molecular consequence: missense variant.
Genome position (GRCh38, 1-based): chr11:47,350,553, C>T on the plus strand (G>A on the coding strand, the complement: MYBPC3 is on the minus strand). VCF-style: chr11-47350553-C-T. GRCh37 (hg19) VCF-style: chr11-47372104-C-T.
Other names: short protein forms E119K.
Identifiers: ClinVar variation 42721 (VCV000042721.18), dbSNP rs397516025, ClinGen allele CA014341.
Genomic context (GRCh38, chr11:47,350,553, plus strand): 5'-CCCTCTCACCTTTGGGACTTGGGGCACTTTCTCCCAGCTCAGCGGCTGGGGCCGGGGCTT[C>T]TCCAGGGGCTCCAGTGGCCTCAGCAGGGGCAGGGGCAGGGGCCAGCATGGGCTCTGCCTT-3'
Protein context (NP_000247.2, residues 109-129): APAEATGAPG[Glu119Lys]APAPAAELGE

ClinVar aggregate classification (germline): Conflicting classifications of pathogenicity. Review status: criteria provided, conflicting classifications (1 of 4 stars). 6 submissions from 6 submitters: Uncertain significance (5); Likely benign (1). Last evaluated 2025-12-01.

Conditions:
Long QT syndrome (LQTS). Identifiers: MedGen C0023976, MeSH D008133, MONDO:0002442. Disease mechanism: loss of function. Inheritance: Various modes of inheritance.
Cardiomyopathy (CMYO). Also called: Cardiomyopathies. Identifiers: Orphanet 167848, MedGen C0878544, MONDO:0004994, HP:0001638. Inheritance: Various modes of inheritance.
Hypertrophic cardiomyopathy. Also called: HYPERTROPHIC MYOCARDIOPATHY. Identifiers: Orphanet 217569, MedGen C0007194, MeSH D002312, MONDO:0005045, HP:0001639.

Allele frequency attached by ClinVar (database versions not stated): gnomAD exomes 0.00001.
gnomAD v4.1: 24 of 1,547,630 alleles (0.0016%); highest among the groups gnomAD compares: Middle Eastern, 0.018%; no homozygotes.

Submissions (6):

Labcorp Genetics (formerly Invitae), Labcorp
Classification: Uncertain significance for Hypertrophic cardiomyopathy. Last evaluated: 2025-12-01. Review status: criteria provided, single submitter. Criteria: Invitae Variant Classification Sherloc (09022015). Collection method: clinical testing. Allele origin: germline.
Comment: This sequence change replaces glutamic acid, which is acidic and polar, with lysine, which is basic and polar, at codon 119 of the MYBPC3 protein (p.Glu119Lys). This variant is present in population databases (rs397516025, gnomAD 0.003%). This missense change has been observed in individual(s) with hypertrophic cardiomyopathy (PMID: 27532257). ClinVar contains an entry for this variant (Variation ID: 42721). An algorithm developed to predict the effect of missense changes on protein structure and function (PolyPhen-2) suggests that this variant is likely to be tolerated. In summary, the available evidence is currently insufficient to determine the role of this variant in disease. Therefore, it has been classified as a Variant of Uncertain Significance.

Color Diagnostics, LLC DBA Color Health
Classification: Uncertain significance for Cardiomyopathy. Last evaluated: 2025-07-22. Review status: criteria provided, single submitter. Criteria: ACMG Guidelines, 2015. Collection method: clinical testing. Allele origin: germline.
Comment: This missense variant replaces glutamic acid with lysine at codon 119 of the MYBPC3 protein. Computational prediction suggests that this variant may not impact protein structure and function. To our knowledge, functional studies have not been reported for this variant. This variant has been reported in individuals affected with hypertrophic cardiomyopathy (PMID: 25611685, 27532257doi:10.1016/j.ejmhg.2017.05.002). This variant has been identified in 2/155646 chromosomes in the general population by the Genome Aggregation Database (gnomAD). The available evidence is insufficient to determine the role of this variant in disease conclusively. Therefore, this variant is classified as a Variant of Uncertain Significance.

Blueprint Genetics
Classification: Likely benign. Last evaluated: 2024-09-09. Review status: criteria provided, single submitter. Criteria: ACMG Guidelines, 2015. Collection method: clinical testing. Allele origin: germline.

Dept of Medical Biology, Uskudar University
Classification: Uncertain significance for Long QT syndrome. Last evaluated: 2024-01-08. Review status: criteria provided, single submitter. Criteria: Dept of Medical Biology Variant Classification. Collection method: research. Allele origin: paternal. Affected: yes. Observed: 1 variant allele.
Comment: Criteria: PM2, BP4

Laboratory for Molecular Medicine, Mass General Brigham Personalized Medicine
Classification: Uncertain significance. Last evaluated: 2023-05-10. Review status: criteria provided, single submitter. Criteria: ACMG Guidelines, 2015. Collection method: clinical testing. Allele origin: germline.
Comment: The p.Glu119Lys variant in MYBPC3 has been reported in 2 individuals with hypertrophic cardiomyopathy (HCM) and segregated with disease in 2 affected relatives, but not in another affected family member from 1 family (Walsh 2017 PMID: PMID: 27532257, LMM data). This variant has also been reported by other clinical laboratories in ClinVar (Variation ID 42721) and was absent from large population studies. Computational prediction tools and conservation analyses suggest that this variant may not impact the protein, though this information is not predictive enough to rule out pathogenicity. In summary, the clinical significance of this variant is uncertain. ACMG/AMP Criteria applied: PM2_supporting, PS4_supporting, BP4.

CHEO Genetics Diagnostic Laboratory, Children's Hospital of Eastern Ontario
Classification: Uncertain significance for Cardiomyopathy. Last evaluated: 2018-06-06. Review status: criteria provided, single submitter. Criteria: ACMG Guidelines, 2015. Collection method: clinical testing. Allele origin: germline.

Literature cited by the submitters: PubMed 27532257 (cited by Labcorp Genetics (formerly Invitae), Labcorp and Color Diagnostics, LLC DBA Color Health); PubMed 25611685 (cited by Color Diagnostics, LLC DBA Color Health).